The following is an entry in ClinVar:

NM_000557.5(GDF5):c.1011C>T (p.His337=)

Genes: GDF5 (growth differentiation factor 5; minus strand), GDF5-AS1 (GDF5 antisense RNA 1; plus strand). Cytogenetic location: 20q11.22.
Variant type: single nucleotide variant.
Coding change: c.1011C>T on transcript NM_000557.5 (MANE Select); coding-DNA position 1011, C replaced by T.
Protein change: p.His337=; no amino-acid change (histidine 337 retained).
Molecular consequence: synonymous variant. On other transcripts: non-coding transcript variant (1).
Genome position (GRCh38, 1-based): chr20:35,434,404, G>A on the plus strand (C>T on the coding strand, the complement: GDF5 is on the minus strand). VCF-style: chr20-35434404-G-A. GRCh37 (hg19) VCF-style: chr20-34022202-G-A.
Other names: c.1011C>T (NM_000557.4); c.1011C>T, p.His337= (NM_001319138.2).
Identifiers: ClinVar variation 2920220 (VCV002920220.5), dbSNP rs751751311, ClinGen allele CA9832190.

ClinVar aggregate classification (germline): Likely benign. Review status: criteria provided, single submitter (1 of 4 stars). 2 submissions from 2 submitters: Likely benign (1). 1 of the submissions does not count toward it. Last evaluated 2025-04-03.

Conditions:
GDF5-related disorder. Also called: GDF5 (CDMP1)-related disorder; GDF5-related condition. Identifiers: MedGen CN169990.

Allele frequency attached by ClinVar (database versions not stated): ExAC 0.00006.
gnomAD v4.1: 133 of 1,613,532 alleles (0.0082%); highest among the groups gnomAD compares: Middle Eastern, 0.016%; no homozygotes.

Submissions (2):

Labcorp Genetics (formerly Invitae), Labcorp
Classification: Likely benign. Last evaluated: 2025-04-03. Review status: criteria provided, single submitter. Criteria: Invitae Variant Classification Sherloc (09022015). Collection method: clinical testing. Allele origin: germline.

PreventionGenetics, part of Exact Sciences
Classification: Likely benign for GDF5-related condition. Last evaluated: 2020-08-25. Review status: no assertion criteria provided. Collection method: clinical testing. Allele origin: germline. Not counted in ClinVar's aggregate classification.
Comment: This variant is classified as likely benign based on ACMG/AMP sequence variant interpretation guidelines (Richards et al. 2015 PMID: 25741868, with internal and published modifications).